The following is an entry in ClinVar:

NM_001127464.1:c.6265C>G

Gene: ZNF469 (zinc finger protein 469; plus strand).
Variant type: single nucleotide variant.
Identifiers: ClinVar variation 4209205 (VCV004209205.1).

ClinVar aggregate classification (germline): Uncertain significance (1 of 4 stars; one submission).

Conditions:
Cardiovascular phenotype. Identifiers: MedGen CN230736.

Submission:

Ambry Genetics
Classification: Uncertain significance for Cardiovascular phenotype. Last evaluated: 2025-08-09. Review status: criteria provided, single submitter. Criteria: Ambry Variant Classification Scheme 2023. Collection method: clinical testing. Allele origin: germline.
Comment: The p.P2089A variant (also known as c.6265C>G), located in coding exon 2 of the ZNF469 gene, results from a C to G substitution at nucleotide position 6265. The proline at codon 2089 is replaced by alanine, an amino acid with highly similar properties. This amino acid position is conserved. In addition, this alteration is predicted to be tolerated by in silico analysis. Based on the available evidence, the clinical significance of this variant remains unclear.